The following is an entry in ClinVar:

NM_001079802.2(FKTN):c.479del (p.Leu160fs)

Gene: FKTN (fukutin; plus strand). Cytogenetic location: 9q31.2.
Variant type: Deletion.
Coding change: c.479del on transcript NM_001079802.2 (MANE Select); coding-DNA position 479, one base deleted (T; older notation c.479delT).
Protein change: p.Leu160fs; shifts the reading frame from leucine 160.
Molecular consequence: frameshift variant. On other transcripts: non-coding transcript variant (2).
Genome position (GRCh38, 1-based): chr9:105,604,324, T deleted. VCF-style (leftmost placement, unchanged base first): chr9-105604323-CT-C. GRCh37 (hg19) VCF-style: chr9-108366604-CT-C.
Other names: c.479del, p.Leu160fs (NM_001198963.2, NM_001351496.2, NM_001351498.2 and 1 more transcripts); c.410del, p.Leu137fs (NM_001351497.2); c.83del, p.Leu28fs (NM_001351499.2, NM_001351500.2, NM_001351501.2 and 1 more transcripts); short protein forms L160fs, L137fs, L28fs.
Identifiers: ClinVar variation 2812185 (VCV002812185.3), dbSNP rs2539406905, ClinGen allele CA2739264916.

ClinVar aggregate classification (germline): Pathogenic (1 of 4 stars; one submission).

Conditions:
Walker-Warburg congenital muscular dystrophy. Also called: Muscular dystrophy-dystroglycanopathy, type A; Walker-Warburg syndrome. Identifiers: Orphanet 899, MedGen C0265221, MONDO:0000171.

Submission:

Labcorp Genetics (formerly Invitae), Labcorp
Classification: Pathogenic for Walker-Warburg congenital muscular dystrophy. Last evaluated: 2022-11-05. Review status: criteria provided, single submitter. Criteria: Invitae Variant Classification Sherloc (09022015). Collection method: clinical testing. Allele origin: germline.
Comment: For these reasons, this variant has been classified as Pathogenic. This variant has not been reported in the literature in individuals affected with FKTN-related conditions. This variant is not present in population databases (gnomAD no frequency). This sequence change creates a premature translational stop signal (p.Leu160Argfs*15) in the FKTN gene. It is expected to result in an absent or disrupted protein product. Loss-of-function variants in FKTN are known to be pathogenic (PMID: 17044012, 17878207, 18752264).

Literature cited by the submitters: PubMed 17044012; PubMed 17878207; PubMed 18752264.